The following is an entry in ClinVar:

NM_015047.3(EMC1):c.2420T>C (p.Val807Ala)

Genes: EMC1 (ER membrane protein complex subunit 1; minus strand), EMC1-AS1 (EMC1 antisense RNA 1; plus strand). Cytogenetic location: 1p36.13.
Variant type: single nucleotide variant.
Coding change: c.2420T>C on transcript NM_015047.3 (MANE Select); coding-DNA position 2420, T replaced by C.
Protein change: p.Val807Ala; replaces valine 807 with alanine.
Molecular consequence: missense variant.
Genome position (GRCh38, 1-based): chr1:19,222,791, A>G on the plus strand (T>C on the coding strand, the complement: EMC1 is on the minus strand). VCF-style: chr1-19222791-A-G. GRCh37 (hg19) VCF-style: chr1-19549285-A-G.
Other names: c.2417T>C, p.Val806Ala (NM_001271427.2, NM_001271428.2); c.2354T>C, p.Val785Ala (NM_001271429.2); c.2429T>C, p.Val810Ala (NM_001375820.1); c.2426T>C, p.Val809Ala (NM_001375821.1); short protein forms V785A, V806A, V807A, V809A, V810A.
Identifiers: ClinVar variation 4809929 (VCV004809929.1).

ClinVar aggregate classification (germline): Uncertain significance (1 of 4 stars; one submission).

gnomAD v4.1: 4 of 1,613,740 alleles (0.00025%); highest among the groups gnomAD compares: African/African-American, 0.004%; no homozygotes.

Submission:

Labcorp Genetics (formerly Invitae), Labcorp
Classification: Uncertain significance. Last evaluated: 2025-03-16. Review status: criteria provided, single submitter. Criteria: Invitae Variant Classification Sherloc (09022015). Collection method: clinical testing. Allele origin: germline.
Comment: This sequence change replaces valine, which is neutral and non-polar, with alanine, which is neutral and non-polar, at codon 807 of the EMC1 protein (p.Val807Ala). This variant is present in population databases (rs543457208, gnomAD 0.008%). This variant has not been reported in the literature in individuals affected with EMC1-related conditions. Invitae Evidence Modeling of protein sequence and biophysical properties (such as structural, functional, and spatial information, amino acid conservation, physicochemical variation, residue mobility, and thermodynamic stability) indicates that this missense variant is not expected to disrupt EMC1 protein function with a negative predictive value of 80%. In summary, the available evidence is currently insufficient to determine the role of this variant in disease. Therefore, it has been classified as a Variant of Uncertain Significance.